The following is an entry in ClinVar:

NM_001040142.2(SCN2A):c.3494T>A (p.Leu1165His)

Gene: SCN2A (sodium voltage-gated channel alpha subunit 2; plus strand). Cytogenetic location: 2q24.3.
Variant type: single nucleotide variant.
Coding change: c.3494T>A on transcript NM_001040142.2 (MANE Select); coding-DNA position 3494, T replaced by A.
Protein change: p.Leu1165His; replaces leucine 1165 with histidine.
Molecular consequence: missense variant.
Genome position (GRCh38, 1-based): chr2:165,365,237, T>A. VCF-style: chr2-165365237-T-A. GRCh37 (hg19) VCF-style: chr2-166221747-T-A.
Other names: c.3494T>A, p.Leu1165His (NM_001040143.2, NM_001371246.1, NM_001371247.1 and 1 more transcripts); short protein forms L1165H.
Identifiers: ClinVar variation 1800934 (VCV001800934.7), dbSNP rs1700661977, ClinGen allele CA349024941.
Genomic context (GRCh38, chr2:165,365,237, plus strand): 5'-CGGTTGATATTGGAGCTCCCGCCGAGGGAGAACAGCCTGAGGTTGAACCTGAGGAATCCC[T>A]TGAACCTGAAGCCTGTTTTACAGAAGGTAAGCAAAACAATAACATATGTGGTCTTGAGTA-3'
Protein context (NP_001035232.1, residues 1155-1175): EQPEVEPEES[Leu1165His]EPEACFTEDC

ClinVar aggregate classification (germline): Uncertain significance. Review status: criteria provided, multiple submitters, no conflicts (2 of 4 stars). 2 submissions from 2 submitters: Uncertain significance (2). Last evaluated 2026-01-27.

Conditions:
Seizures, benign familial infantile, 3 (BFIS3). Also called: CONVULSIONS, BENIGN FAMILIAL INFANTILE, 3; Familial neonatal seizures. Identifiers: Orphanet 140927, Orphanet 306, MedGen C1843140, MONDO:0011904, OMIM 607745.
Developmental and epileptic encephalopathy, 11 (DEE11). Also called: Early infantile epileptic encephalopathy 11. Identifiers: Orphanet 1934, MedGen C3150987, MONDO:0013388, OMIM 613721.

gnomAD v4.1: 1 of 1,614,010 alleles (0.000062%); no homozygotes.

Submissions (2):

GeneDx
Classification: Uncertain significance. Last evaluated: 2026-01-27. Review status: criteria provided, single submitter. Criteria: GeneDx Variant Classification Process June 2021. Collection method: clinical testing. Allele origin: germline.
Comment: Not observed at significant frequency in large population cohorts (gnomAD); In silico analysis supports that this missense variant has a deleterious effect on protein structure/function; Has not been previously published as pathogenic or benign to our knowledge; This substitution is predicted to be in the cytoplasmic loop between the second and third homologous domains

Labcorp Genetics (formerly Invitae), Labcorp
Classification: Uncertain significance for Seizures, benign familial infantile, 3; Developmental and epileptic encephalopathy, 11. Last evaluated: 2025-02-19. Review status: criteria provided, single submitter. Criteria: Invitae Variant Classification Sherloc (09022015). Collection method: clinical testing. Allele origin: germline.
Comment: This sequence change replaces leucine, which is neutral and non-polar, with histidine, which is basic and polar, at codon 1165 of the SCN2A protein (p.Leu1165His). This variant is not present in population databases (gnomAD no frequency). This variant has not been reported in the literature in individuals affected with SCN2A-related conditions. ClinVar contains an entry for this variant (Variation ID: 1800934). Invitae Evidence Modeling of protein sequence and biophysical properties (such as structural, functional, and spatial information, amino acid conservation, physicochemical variation, residue mobility, and thermodynamic stability) has been performed for this missense variant. However, the output from this modeling did not meet the statistical confidence thresholds required to predict the impact of this variant on SCN2A protein function. In summary, the available evidence is currently insufficient to determine the role of this variant in disease. Therefore, it has been classified as a Variant of Uncertain Significance.